The following is an entry in ClinVar:

ClinVar aggregate classification (germline): VUS-high (1 of 4 stars; one submission).

Conditions:
Coloboma of macula. Also called: Macular pseudocoloboma; AGENESIS OF MACULA; Hereditary macular coloboma (subtype). Identifiers: Orphanet 98945, MedGen C1852767, MONDO:0007351, OMIM 120300, HP:0001116.

gnomAD v4.1: 6 of 1,586,178 alleles (0.00038%); highest among the groups gnomAD compares: East Asian, 0.014%; no homozygotes.

Submission:

Ningxia Clinical Research Institute, People's Hospital of Ningxia Hui Autonomous Region
Classification: VUS-high for Coloboma of macula. Last evaluated: 2024-02-18. Review status: criteria provided, single submitter. Criteria: ACMG Guidelines, 2015. Collection method: clinical testing. Allele origin: inherited. Inheritance: Autosomal recessive inheritance. Affected: yes. Observed: 1 variant allele, 1 homozygote.
Comment: According to the ACMG guidelines for variant classification, the c.8344G>A (p.Asp2782Asn) variant has a total population frequency of 0.000007 in gnomAD and 0.000193 in the East Asian general population. No published reports of this variant currently exist; it is a novel variant and was assigned moderate pathogenic evidence (PM2). The variant co-segregated with disease in the family, constituting supporting evidence (PP1). Five in silico prediction tools predicted that this variant may have a deleterious effect on the gene or its product (PP3). Therefore, based on the principles and guidelines for the interpretation of sequence variants, this variant was classified as a variant of uncertain significance (VUS; PM2+PP1+PP3).

NM_001080453.3(INTS1):c.5279C>T (p.Ala1760Val)

Gene: INTS1 (integrator complex subunit 1; minus strand). Cytogenetic location: 7p22.3.
Variant type: single nucleotide variant.
Coding change: c.5279C>T on transcript NM_001080453.3 (MANE Select); coding-DNA position 5279, C replaced by T.
Protein change: p.Ala1760Val; replaces alanine 1760 with valine.
Molecular consequence: missense variant.
Genome position (GRCh38, 1-based): chr7:1,476,328, G>A on the plus strand (C>T on the coding strand, the complement: INTS1 is on the minus strand). VCF-style: chr7-1476328-G-A. GRCh37 (hg19) VCF-style: chr7-1515964-G-A.
Other names: short protein forms A1760V.
Identifiers: ClinVar variation 5043351 (VCV005043351.1).